The following is an entry in ClinVar:

NM_004974.4(KCNA2):c.590G>T (p.Gly197Val)

Gene: KCNA2 (potassium voltage-gated channel subfamily A member 2; minus strand). Cytogenetic location: 1p13.3.
Variant type: single nucleotide variant.
Coding change: c.590G>T on transcript NM_004974.4 (MANE Select); coding-DNA position 590, G replaced by T.
Protein change: p.Gly197Val; replaces glycine 197 with valine.
Molecular consequence: missense variant.
Genome position (GRCh38, 1-based): chr1:110,604,193, C>A on the plus strand (G>T on the coding strand, the complement: KCNA2 is on the minus strand). VCF-style: chr1-110604193-C-A. GRCh37 (hg19) VCF-style: chr1-111146815-C-A.
Other names: c.590G>T, p.Gly197Val (NM_001204269.2); short protein forms G197V.
Identifiers: ClinVar variation 4799923 (VCV004799923.1).

ClinVar aggregate classification (germline): Uncertain significance (1 of 4 stars; one submission).

Conditions:
Developmental and epileptic encephalopathy, 32 (DEE32). Also called: Epileptic encephalopathy, early infantile, 32. Identifiers: Orphanet 442835, MedGen C4225350, MONDO:0014607, OMIM 616366.

gnomAD v4.1: 1 of 1,614,178 alleles (0.000062%); highest among the groups gnomAD compares: Non-Finnish European, 0.000085%; no homozygotes.

Submission:

Labcorp Genetics (formerly Invitae), Labcorp
Classification: Uncertain significance for Developmental and epileptic encephalopathy, 32. Last evaluated: 2025-06-17. Review status: criteria provided, single submitter. Criteria: Invitae Variant Classification Sherloc (09022015). Collection method: clinical testing. Allele origin: germline.
Comment: This sequence change replaces glycine, which is neutral and non-polar, with valine, which is neutral and non-polar, at codon 197 of the KCNA2 protein (p.Gly197Val). This variant is not present in population databases (gnomAD no frequency). This variant has not been reported in the literature in individuals affected with KCNA2-related conditions. Invitae Evidence Modeling of protein sequence and biophysical properties (such as structural, functional, and spatial information, amino acid conservation, physicochemical variation, residue mobility, and thermodynamic stability) indicates that this missense variant is not expected to disrupt KCNA2 protein function with a negative predictive value of 95%. In summary, the available evidence is currently insufficient to determine the role of this variant in disease. Therefore, it has been classified as a Variant of Uncertain Significance.